The following is an entry in ClinVar:

NM_001161403.3(LIMS2):c.947T>C (p.Leu316Pro)

Gene: LIMS2 (LIM zinc finger domain containing 2; minus strand). Cytogenetic location: 2q14.3.
Variant type: single nucleotide variant.
Coding change: c.947T>C on transcript NM_001161403.3 (MANE Select); coding-DNA position 947, T replaced by C.
Protein change: p.Leu316Pro; replaces leucine 316 with proline.
Molecular consequence: missense variant.
Genome position (GRCh38, 1-based): chr2:127,639,360, A>G on the plus strand (T>C on the coding strand, the complement: LIMS2 is on the minus strand). VCF-style: chr2-127639360-A-G. GRCh37 (hg19) VCF-style: chr2-128396935-A-G.
Other names: c.1013T>C, p.Leu338Pro (NM_001136037.4); c.932T>C, p.Leu311Pro (NM_001161404.2); c.491T>C, p.Leu164Pro (NM_001256542.2); c.1019T>C, p.Leu340Pro (NM_017980.5); short protein forms L340P, L164P, L311P, L338P, L316P.
Identifiers: ClinVar variation 4748212 (VCV004748212.2).

ClinVar aggregate classification (germline): Uncertain significance. Review status: criteria provided, multiple submitters, no conflicts (2 of 4 stars). 2 submissions from 2 submitters: Uncertain significance (2). Last evaluated 2025-09-20.

Conditions:
Autosomal recessive limb-girdle muscular dystrophy type 2W (MDRCMTT). Also called: Muscular dystrophy, limb-girdle, type 2W; Muscular dystrophy, autosomal recessive, with cardiomyopathy and triangular tongue. Identifiers: MedGen C4225192, MONDO:0014788, OMIM 616827.

gnomAD v4.1: 1 of 1,613,928 alleles (0.000062%); highest among the groups gnomAD compares: Non-Finnish European, 0.000085%; no homozygotes.

Submissions (2):

Labcorp Genetics (formerly Invitae), Labcorp
Classification: Uncertain significance for Autosomal recessive limb-girdle muscular dystrophy type 2W. Last evaluated: 2025-09-20. Review status: criteria provided, single submitter. Criteria: Invitae Variant Classification Sherloc (09022015). Collection method: clinical testing. Allele origin: germline.
Comment: This sequence change replaces leucine, which is neutral and non-polar, with proline, which is neutral and non-polar, at codon 338 of the LIMS2 protein (p.Leu338Pro). This variant is not present in population databases (gnomAD no frequency). This variant has not been reported in the literature in individuals affected with LIMS2-related conditions. Invitae Evidence Modeling of protein sequence and biophysical properties (such as structural, functional, and spatial information, amino acid conservation, physicochemical variation, residue mobility, and thermodynamic stability) has been performed for this missense variant. However, the output from this modeling did not meet the statistical confidence thresholds required to predict the impact of this variant on LIMS2 protein function. In summary, the available evidence is currently insufficient to determine the role of this variant in disease. Therefore, it has been classified as a Variant of Uncertain Significance.

Blueprint Genetics
Classification: Uncertain significance. Last evaluated: 2018-03-27. Review status: criteria provided, single submitter. Criteria: ACMG Guidelines, 2015. Collection method: clinical testing. Allele origin: germline.